The following is an entry in ClinVar:

ClinVar aggregate classification (germline): Benign/Likely benign. Review status: criteria provided, multiple submitters, no conflicts (2 of 4 stars). 3 submissions from 3 submitters: Benign (1); Likely benign (2). Last evaluated 2025-01-07.

Conditions:
Hereditary nonpolyposis colorectal neoplasms. Identifiers: MedGen C0009405, MeSH D003123.
Hereditary cancer-predisposing syndrome. Also called: Hereditary Cancer Syndrome; Neoplastic Syndromes, Hereditary; Tumor predisposition; Hereditary neoplastic syndrome. Identifiers: Orphanet 140162, MedGen C0027672, MeSH D009386, MONDO:0015356.
Lynch syndrome 5 (LYNCH5). Also called: Colorectal cancer, hereditary nonpolyposis, type 5; Hereditary non-polyposis colorectal cancer, type 5. Identifiers: Orphanet 144, MedGen C1833477, MONDO:0013710, OMIM 614350. Disease mechanism: loss of function.

Allele frequency attached by ClinVar (database versions not stated): gnomAD exomes below 0.00001.
gnomAD v4.1: 2 of 1,603,126 alleles (0.00012%); highest among the groups gnomAD compares: East Asian, 0.0022%; no homozygotes.

Submissions (3):

Myriad Genetics, Inc.
Classification: Benign for Lynch syndrome 5. Last evaluated: 2025-01-07. Review status: criteria provided, single submitter. Criteria: Myriad Autosomal Dominant, Autosomal Recessive and X-Linked Classification Criteria (2023). Collection method: clinical testing. Allele origin: unknown.
Comment: This variant is considered benign. This variant is a silent/synonymous amino acid change and it is not expected to impact splicing.

Labcorp Genetics (formerly Invitae), Labcorp
Classification: Likely benign for Hereditary nonpolyposis colorectal neoplasms. Last evaluated: 2024-11-05. Review status: criteria provided, single submitter. Criteria: Invitae Variant Classification Sherloc (09022015). Collection method: clinical testing. Allele origin: germline.

Ambry Genetics
Classification: Likely benign for Hereditary cancer-predisposing syndrome. Last evaluated: 2017-06-26. Review status: criteria provided, single submitter. Criteria: Ambry Variant Classification Scheme 2023. Collection method: clinical testing. Allele origin: germline.

NM_000179.3(MSH6):c.3558T>C (p.Gly1186=)

Gene: MSH6 (mutS homolog 6; plus strand). Cytogenetic location: 2p16.3.
Variant type: single nucleotide variant.
Coding change: c.3558T>C on transcript NM_000179.3 (MANE Select); coding-DNA position 3558, T replaced by C.
Protein change: p.Gly1186=; no amino-acid change (glycine 1186 retained).
Molecular consequence: synonymous variant.
Genome position (GRCh38, 1-based): chr2:47,805,619, T>C. VCF-style: chr2-47805619-T-C. GRCh37 (hg19) VCF-style: chr2-48032758-T-C.
Other names: c.3168T>C, p.Gly1056= (NM_001281492.2); c.2652T>C, p.Gly884= (NM_001281493.2, NM_001281494.2).
Identifiers: ClinVar variation 479933 (VCV000479933.17), dbSNP rs756014227, ClinGen allele CA425997260.